The following is an entry in ClinVar:

ClinVar aggregate classification (germline): Pathogenic. Review status: criteria provided, multiple submitters, no conflicts (2 of 4 stars). 3 submissions from 3 submitters: Pathogenic (3). Last evaluated 2023-03-31.

Conditions:
RHO-related disorder. Also called: RHO-related condition.

Submissions (3):

Blueprint Genetics
Classification: Pathogenic for RHO-related disorders. Last evaluated: 2023-03-31. Review status: criteria provided, single submitter. Criteria: ACMG Guidelines, 2015. Collection method: clinical testing. Allele origin: germline. Affected: yes. Observed: 1 variant allele.

Labcorp Genetics (formerly Invitae), Labcorp
Classification: Pathogenic. Last evaluated: 2023-02-03. Review status: criteria provided, single submitter. Criteria: Invitae Variant Classification Sherloc (09022015). Collection method: clinical testing. Allele origin: germline.
Comment: For these reasons, this variant has been classified as Pathogenic. Experimental studies have shown that this missense change affects RHO function (PMID: 30977563). Advanced modeling of protein sequence and biophysical properties (such as structural, functional, and spatial information, amino acid conservation, physicochemical variation, residue mobility, and thermodynamic stability) performed at Invitae indicates that this missense variant is expected to disrupt RHO protein function. ClinVar contains an entry for this variant (Variation ID: 870954). This missense change has been observed in individuals with autosomal dominant retinitis pigmentosa (PMID: 8162026, 8317502, 32531858). It has also been observed to segregate with disease in related individuals. This variant is not present in population databases (gnomAD no frequency). This sequence change replaces histidine, which is basic and polar, with arginine, which is basic and polar, at codon 211 of the RHO protein (p.His211Arg).

CeGaT Center for Human Genetics Tuebingen
Classification: Pathogenic. Last evaluated: 2019-02-01. Review status: criteria provided, single submitter. Criteria: CeGaT Center For Human Genetics Tuebingen Variant Classification Criteria Version 2. Collection method: clinical testing. Allele origin: germline. Affected: yes. Observed: 2 variant alleles.

Literature cited by the submitters: PubMed 30977563 (cited by Labcorp Genetics (formerly Invitae), Labcorp); PubMed 8162026 (cited by Labcorp Genetics (formerly Invitae), Labcorp); PubMed 8317502 (cited by Labcorp Genetics (formerly Invitae), Labcorp); PubMed 32531858 (cited by Labcorp Genetics (formerly Invitae), Labcorp).

NM_000539.3(RHO):c.632A>G (p.His211Arg)

Gene: RHO (rhodopsin; plus strand). Cytogenetic location: 3q22.1.
Variant type: single nucleotide variant.
Coding change: c.632A>G on transcript NM_000539.3 (MANE Select); coding-DNA position 632, A replaced by G.
Protein change: p.His211Arg; replaces histidine 211 with arginine.
Molecular consequence: missense variant.
Genome position (GRCh38, 1-based): chr3:129,532,352, A>G. VCF-style: chr3-129532352-A-G. GRCh37 (hg19) VCF-style: chr3-129251195-A-G.
Other names: short protein forms H211R.
Identifiers: ClinVar variation 870954 (VCV000870954.45), dbSNP rs28933993, ClinGen allele CA354469894.